The following is an entry in ClinVar:

NM_006031.6(PCNT):c.9080G>C (p.Ser3027Thr)

Gene: PCNT (pericentrin; plus strand). Cytogenetic location: 21q22.3.
Variant type: single nucleotide variant.
Coding change: c.9080G>C on transcript NM_006031.6 (MANE Select); coding-DNA position 9080, G replaced by C.
Protein change: p.Ser3027Thr; replaces serine 3027 with threonine.
Molecular consequence: missense variant.
Genome position (GRCh38, 1-based): chr21:46,437,062, G>C. VCF-style: chr21-46437062-G-C. GRCh37 (hg19) VCF-style: chr21-47856975-G-C.
Other names: c.8489G>C, p.Ser2830Thr (NM_001315529.2); short protein forms S2830T, S3027T.
Identifiers: ClinVar variation 3350230 (VCV003350230.1).

ClinVar aggregate classification (germline): Uncertain significance (0 of 4 stars; one submission).

Conditions:
PCNT-related disorder. Also called: PCNT-related condition.

gnomAD v4.1: 2 of 1,613,882 alleles (0.00012%); highest among the groups gnomAD compares: Non-Finnish European, 0.000085%; no homozygotes.

Submission:

PreventionGenetics, part of Exact Sciences
Classification: Uncertain significance for PCNT-related condition. Last evaluated: 2024-05-10. Review status: no assertion criteria provided. Collection method: clinical testing. Allele origin: germline.
Comment: The PCNT c.9080G>C variant is predicted to result in the amino acid substitution p.Ser3027Thr. To our knowledge, this variant has not been reported in the literature. This variant is reported in 0.00088% of alleles in individuals of European (Non-Finnish) descent in gnomAD. At this time, the clinical significance of this variant is uncertain due to the absence of conclusive functional and genetic evidence.